The following is an entry in ClinVar:

ClinVar aggregate classification (germline): Likely benign. Review status: criteria provided, multiple submitters, no conflicts (2 of 4 stars). 4 submissions from 4 submitters: Likely benign (4). Last evaluated 2025-12-23.

Conditions:
Familial thoracic aortic aneurysm and aortic dissection (TAAD). Also called: Thoracic aortic aneurysms and dissections. Identifiers: Orphanet 91387, MedGen C4707243, MONDO:0019625.
Aortic aneurysm, familial thoracic 4 (AAT4). Also called: AORTIC ANEURYSM/AORTIC DISSECTION AND PATENT DUCTUS ARTERIOSUS. Identifiers: MedGen C1851504, MONDO:0007568, OMIM 132900.

Allele frequency attached by ClinVar (database versions not stated): ExAC 0.00001; gnomAD 0.00001; gnomAD exomes 0.00001; TOPMed 0.00001.
gnomAD v4.1: 9 of 1,612,320 alleles (0.00056%); highest among the groups gnomAD compares: Admixed American, 0.0017%; no homozygotes.

Submissions (4):

Labcorp Genetics (formerly Invitae), Labcorp
Classification: Likely benign for Aortic aneurysm, familial thoracic 4. Last evaluated: 2025-12-23. Review status: criteria provided, single submitter. Criteria: Invitae Variant Classification Sherloc (09022015). Collection method: clinical testing. Allele origin: germline.

All of Us Research Program, National Institutes of Health
Classification: Likely benign for Familial thoracic aortic aneurysm and aortic dissection. Last evaluated: 2023-12-01. Review status: criteria provided, single submitter. Criteria: ACMG Guidelines, 2015. Collection method: clinical testing. Allele origin: germline. Inheritance: Autosomal dominant inheritance. Observed: 3 variant alleles, 3 heterozygotes.
Comment: This study involves interpretation of variants in research participants for the purpose of population health screening. Participant phenotype was not available at the time of variant classification. Additional details can be found in publication PMID: 35346344, PMCID: PMC8962531

Blueprint Genetics
Classification: Likely benign. Last evaluated: 2023-08-22. Review status: criteria provided, single submitter. Criteria: ACMG Guidelines, 2015. Collection method: clinical testing. Allele origin: germline.

Color Diagnostics, LLC DBA Color Health
Classification: Likely benign for Familial thoracic aortic aneurysm and aortic dissection. Last evaluated: 2018-04-12. Review status: criteria provided, single submitter. Criteria: ACMG Guidelines, 2015. Collection method: clinical testing. Allele origin: germline.

NM_002474.3(MYH11):c.3652-14G>C

Gene: MYH11 (myosin heavy chain 11; minus strand). Cytogenetic location: 16p13.11.
Variant type: single nucleotide variant.
Coding change: c.3652-14G>C on transcript NM_002474.3 (MANE Select); 14 bases into the intron before coding-DNA position 3652, G replaced by C.
Molecular consequence: intron variant.
Genome position (GRCh38, 1-based): chr16:15,727,068, C>G on the plus strand (G>C on the coding strand, the complement: MYH11 is on the minus strand). VCF-style: chr16-15727068-C-G. GRCh37 (hg19) VCF-style: chr16-15820925-C-G.
Other names: c.3652-14G>C (NM_022844.3); c.3673-14G>C (NM_001040114.2, NM_001040113.2).
Identifiers: ClinVar variation 920076 (VCV000920076.7), dbSNP rs760789288, ClinGen allele CA7921928.